The following is an entry in ClinVar:

ClinVar aggregate classification (germline): Pathogenic/Likely pathogenic. Review status: criteria provided, multiple submitters, no conflicts (2 of 4 stars). 7 submissions from 7 submitters: Pathogenic (5); Likely pathogenic (2). Last evaluated 2026-08-11.

Conditions:
Gorlin syndrome. Also called: Basal cell nevus syndrome; Nevoid Basal Cell Carcinoma Syndrome. Identifiers: Orphanet 377, MedGen C0004779, MONDO:0007187.
Basal cell nevus syndrome 1 (BCNS1). Also called: GORLIN-GOLTZ SYNDROME; MULTIPLE BASAL CELL NEVI, ODONTOGENIC KERATOCYSTS, AND SKELETAL ANOMALIES. Identifiers: MedGen CN376810, MONDO:0958174, OMIM 109400.
Hereditary cancer-predisposing syndrome. Also called: Neoplastic Syndromes, Hereditary; Hereditary neoplastic syndrome; Hereditary Cancer Syndrome; Tumor predisposition. Identifiers: Orphanet 140162, MedGen C0027672, MeSH D009386, MONDO:0015356.

Submissions (7):

Institute of Human Genetics, University of Leipzig Medical Center
Classification: Pathogenic for Basal cell nevus syndrome 1. Last evaluated: 2026-08-11. Review status: criteria provided, single submitter. Criteria: ACMG Guidelines, 2015. Collection method: clinical testing. Allele origin: unknown. Inheritance: Autosomal dominant inheritance. Affected: yes.
Comment: Criteria applied: PVS1,PM1,PM2_SUP

Ambry Genetics
Classification: Pathogenic for Hereditary cancer-predisposing syndrome. Last evaluated: 2026-03-17. Review status: criteria provided, single submitter. Criteria: Ambry Variant Classification Scheme 2023. Collection method: clinical testing. Allele origin: germline.
Comment: The p.R945* pathogenic mutation (also known as c.2833C>T), located in coding exon 17 of the PTCH1 gene, results from a C to T substitution at nucleotide position 2833. This changes the amino acid from an arginine to a stop codon within coding exon 17. This variant was reported in individual(s) with features consistent with PTCH1-related nevoid basal cell carcinoma syndrome (Hasenpusch-Theil K, Hum. Mutat. 1998; 11(6):480; Ambry internal data). This variant is considered to be rare based on population cohorts in the Genome Aggregation Database (gnomAD). This alteration is expected to result in loss of function by premature protein truncation or nonsense-mediated mRNA decay. As such, this alteration is interpreted as a disease-causing mutation.

Labcorp Genetics (formerly Invitae), Labcorp
Classification: Pathogenic for Gorlin syndrome. Last evaluated: 2025-11-30. Review status: criteria provided, single submitter. Criteria: Invitae Variant Classification Sherloc (09022015). Collection method: clinical testing. Allele origin: germline.
Comment: This sequence change creates a premature translational stop signal (p.Arg945*) in the PTCH1 gene. It is expected to result in an absent or disrupted protein product. Loss-of-function variants in PTCH1 are known to be pathogenic (PMID: 16301862, 16419085). This variant is not present in population databases (gnomAD no frequency). This premature translational stop signal has been observed in individual(s) with basal cell nevus syndrome (PMID: 10200051). This variant is also known as C2821T. ClinVar contains an entry for this variant (Variation ID: 420053). For these reasons, this variant has been classified as Pathogenic.

Revvity Omics, Revvity
Classification: Likely pathogenic. Last evaluated: 2021-09-10. Review status: criteria provided, single submitter. Criteria: ACMG Guidelines, 2015. Collection method: clinical testing. Allele origin: germline.

GeneDx
Classification: Pathogenic. Last evaluated: 2021-09-07. Review status: criteria provided, single submitter. Criteria: GeneDx Variant Classification Process June 2021. Collection method: clinical testing. Allele origin: germline. Affected: yes.
Comment: Nonsense variant predicted to result in protein truncation or nonsense mediated decay in a gene for which loss-of-function is a known mechanism of disease; Not observed at significant frequency in large population cohorts (Lek et al., 2016); Also known as c.2821C>T, p.R944X; This variant is associated with the following publications: (PMID: 10200051, 34291140, 27535533, 9654212, 24204797, 25525159)

Women's Health and Genetics/Laboratory Corporation of America, LabCorp
Classification: Likely pathogenic for Gorlin syndrome. Last evaluated: 2020-11-06. Review status: criteria provided, single submitter. Criteria: LabCorp Variant Classification Summary - May 2015. Collection method: clinical testing. Allele origin: germline.
Comment: Variant summary: PTCH1 c.2833C>T (p.Arg945X) results in a premature termination codon, predicted to cause a truncation of the encoded protein or absence of the protein due to nonsense mediated decay, which are commonly known mechanisms for disease. The variant was absent in 251486 control chromosomes. c.2833C>T has been reported in the literature in at least an individual affected with Nevoid Basal Cell Carcinoma Syndrome (NBCCS, Gorlin Syndrome) (Hasenpusch-Theil_1997). The variant was also reported in a family suffering from orofacial cleft and suspected to be affected by NBCCS (Zhong_2019). The authors of this report speculated on the pathology based on the results of bioinformatics and biochemical assays but suggested that further cellular and molecular studies were needed to confirm the diagnosis of NBCCS. In in vitro functional assays, the variant showed approximately 75% lower relative abundance, implying a decrease in the stability of R945X mutant in vitro (Zhong_2019). Three ClinVar submitters (evaluation after 2014) cite the variant as pathogenic. Based on the evidence outlined above, the variant was classified as likely pathogenic.

Institute of Medical Genetics and Applied Genomics, University Hospital Tübingen
Classification: Pathogenic. Last evaluated: 2020-10-23. Review status: criteria provided, single submitter. Criteria: ACMG Guidelines, 2015. Collection method: clinical testing. Allele origin: germline. Inheritance: Unknown mechanism. Affected: yes.

Literature cited by the submitters: PubMed 10200051 (cited by 3 submitters); PubMed 16301862 (cited by Labcorp Genetics (formerly Invitae), Labcorp); PubMed 16419085 (cited by Labcorp Genetics (formerly Invitae), Labcorp).

NM_000264.5(PTCH1):c.2833C>T (p.Arg945Ter)

Gene: PTCH1 (patched 1; minus strand). Cytogenetic location: 9q22.32.
Variant type: single nucleotide variant.
Coding change: c.2833C>T on transcript NM_000264.5 (MANE Select); coding-DNA position 2833, C replaced by T.
Protein change: p.Arg945Ter; replaces arginine 945 with a stop codon.
Molecular consequence: nonsense. On other transcripts: non-coding transcript variant (1).
Genome position (GRCh38, 1-based): chr9:95,459,654, G>A on the plus strand (C>T on the coding strand, the complement: PTCH1 is on the minus strand). VCF-style: chr9-95459654-G-A. GRCh37 (hg19) VCF-style: chr9-98221936-G-A.
Other names: c.2635C>T, p.Arg879Ter (NM_001083602.3); c.2830C>T, p.Arg944Ter (NM_001083603.3); c.2380C>T, p.Arg794Ter (NM_001083604.3, NM_001083605.3, NM_001083606.3 and 1 more transcripts); c.2677C>T, p.Arg893Ter (NM_001354918.2); short protein forms R879*, R945*, R794*, R944*, R893*.
Identifiers: ClinVar variation 420053 (VCV000420053.25), dbSNP rs1064794260, ClinGen allele CA16618903.